The following is an entry in ClinVar:

NM_017534.6(MYH2):c.3218T>C (p.Met1073Thr)

Genes: MYH2 (myosin heavy chain 2; minus strand), MYHAS (myosin heavy chain gene cluster antisense RNA; plus strand). Cytogenetic location: 17p13.1.
Variant type: single nucleotide variant.
Coding change: c.3218T>C on transcript NM_017534.6 (MANE Select); coding-DNA position 3218, T replaced by C.
Protein change: p.Met1073Thr; replaces methionine 1073 with threonine.
Molecular consequence: missense variant.
Genome position (GRCh38, 1-based): chr17:10,529,381, A>G on the plus strand (T>C on the coding strand, the complement: MYH2 is on the minus strand). VCF-style: chr17-10529381-A-G. GRCh37 (hg19) VCF-style: chr17-10432698-A-G.
Other names: c.3218T>C (NM_017534.5); c.3218T>C, p.Met1073Thr (NM_001100112.2); short protein forms M1073T.
Identifiers: ClinVar variation 1432479 (VCV001432479.7), dbSNP rs1335497096, ClinGen allele CA398138230.

ClinVar aggregate classification (germline): Uncertain significance. Review status: criteria provided, multiple submitters, no conflicts (2 of 4 stars). 2 submissions from 2 submitters: Uncertain significance (2). Last evaluated 2025-10-18.

Conditions:
Inborn genetic diseases. Identifiers: MedGen C0950123, MeSH D030342.
Myopathy, proximal, and ophthalmoplegia (CMYO6). Also called: MYOPATHY WITH CONGENITAL JOINT CONTRACTURES, OPHTHALMOPLEGIA, AND RIMMED VACUOLES; CONGENITAL MYOPATHY 6 WITH OPHTHALMOPLEGIA; INCLUSION BODY MYOPATHY 3, AUTOSOMAL DOMINANT. Identifiers: Orphanet 363677, Orphanet 79091, MedGen C1854106, MONDO:0011577, OMIM 605637.

Allele frequency attached by ClinVar (database versions not stated): gnomAD exomes below 0.00001.

Submissions (2):

Ambry Genetics
Classification: Uncertain significance for Inborn genetic diseases. Last evaluated: 2025-10-18. Review status: criteria provided, single submitter. Criteria: Ambry Variant Classification Scheme 2023. Collection method: clinical testing. Allele origin: germline.
Comment: The c.3218T>C (p.M1073T) alteration is located in exon 25 (coding exon 23) of the MYH2 gene. This alteration results from a T to C substitution at nucleotide position 3218, causing the methionine (M) at amino acid position 1073 to be replaced by a threonine (T). Based on data from gnomAD, the C allele has an overall frequency of <0.001% (1/251202) total alleles studied. The highest observed frequency was 0.003% (1/34582) of Latino alleles. Based on insufficient or conflicting evidence, the clinical significance of this alteration remains unclear.

Labcorp Genetics (formerly Invitae), Labcorp
Classification: Uncertain significance for Myopathy, proximal, and ophthalmoplegia. Last evaluated: 2025-07-22. Review status: criteria provided, single submitter. Criteria: Invitae Variant Classification Sherloc (09022015). Collection method: clinical testing. Allele origin: germline.
Comment: This sequence change replaces methionine, which is neutral and non-polar, with threonine, which is neutral and polar, at codon 1073 of the MYH2 protein (p.Met1073Thr). This variant is present in population databases (no rsID available, gnomAD 0.003%). This variant has not been reported in the literature in individuals affected with MYH2-related conditions. ClinVar contains an entry for this variant (Variation ID: 1432479). Invitae Evidence Modeling of protein sequence and biophysical properties (such as structural, functional, and spatial information, amino acid conservation, physicochemical variation, residue mobility, and thermodynamic stability) indicates that this missense variant is not expected to disrupt MYH2 protein function with a negative predictive value of 80%. In summary, the available evidence is currently insufficient to determine the role of this variant in disease. Therefore, it has been classified as a Variant of Uncertain Significance.